The following is an entry in ClinVar:

NM_003482.4(KMT2D):c.13663C>A (p.Leu4555Met)

Gene: KMT2D (lysine methyltransferase 2D; minus strand). Cytogenetic location: 12q13.12.
Variant type: single nucleotide variant.
Coding change: c.13663C>A on transcript NM_003482.4 (MANE Select); coding-DNA position 13663, C replaced by A.
Protein change: p.Leu4555Met; replaces leucine 4555 with methionine.
Molecular consequence: missense variant.
Genome position (GRCh38, 1-based): chr12:49,030,901, G>T on the plus strand (C>A on the coding strand, the complement: KMT2D is on the minus strand). VCF-style: chr12-49030901-G-T. GRCh37 (hg19) VCF-style: chr12-49424684-G-T.
Other names: short protein forms L4555M.
Identifiers: ClinVar variation 1977086 (VCV001977086.5), dbSNP rs1341465915, ClinGen allele CA384703070.

ClinVar aggregate classification (germline): Uncertain significance (1 of 4 stars; one submission).

Conditions:
Kabuki syndrome. Also called: Kabuki make-up syndrome; NIIKAWA-KUROKI SYNDROME. Identifiers: Orphanet 2322, MedGen C0796004, MONDO:0016512.

Allele frequency attached by ClinVar (database versions not stated): gnomAD exomes below 0.00001; gnomAD 0.00001.
gnomAD v4.1: 2 of 1,613,566 alleles (0.00012%); highest among the groups gnomAD compares: African/African-American, 0.0013%; no homozygotes.

Submission:

Labcorp Genetics (formerly Invitae), Labcorp
Classification: Uncertain significance for Kabuki syndrome. Last evaluated: 2023-02-27. Review status: criteria provided, single submitter. Criteria: Invitae Variant Classification Sherloc (09022015). Collection method: clinical testing. Allele origin: germline.
Comment: This variant has not been reported in the literature in individuals affected with KMT2D-related conditions. This variant is present in population databases (no rsID available, gnomAD 0.01%). This sequence change replaces leucine, which is neutral and non-polar, with methionine, which is neutral and non-polar, at codon 4555 of the KMT2D protein (p.Leu4555Met). ClinVar contains an entry for this variant (Variation ID: 1977086). In summary, the available evidence is currently insufficient to determine the role of this variant in disease. Therefore, it has been classified as a Variant of Uncertain Significance. Advanced modeling of protein sequence and biophysical properties (such as structural, functional, and spatial information, amino acid conservation, physicochemical variation, residue mobility, and thermodynamic stability) performed at Invitae indicates that this missense variant is expected to disrupt KMT2D protein function.